The following is an entry in ClinVar:

ClinVar aggregate classification (germline): Uncertain significance (1 of 4 stars; one submission).

Submission:

Labcorp Genetics (formerly Invitae), Labcorp
Classification: Uncertain significance. Last evaluated: 2022-06-13. Review status: criteria provided, single submitter. Criteria: Invitae Variant Classification Sherloc (09022015). Collection method: clinical testing. Allele origin: germline.
Comment: This sequence change replaces asparagine, which is neutral and polar, with lysine, which is basic and polar, at codon 319 of the MTTP protein (p.Asn319Lys). This variant is not present in population databases (gnomAD no frequency). This variant has not been reported in the literature in individuals affected with MTTP-related conditions. Algorithms developed to predict the effect of missense changes on protein structure and function (SIFT, PolyPhen-2, Align-GVGD) all suggest that this variant is likely to be tolerated. In summary, the available evidence is currently insufficient to determine the role of this variant in disease. Therefore, it has been classified as a Variant of Uncertain Significance.

NM_001386140.1(MTTP):c.957C>A (p.Asn319Lys)

Gene: MTTP (microsomal triglyceride transfer protein; plus strand). Cytogenetic location: 4q23.
Variant type: single nucleotide variant.
Coding change: c.957C>A on transcript NM_001386140.1 (MANE Select); coding-DNA position 957, C replaced by A.
Protein change: p.Asn319Lys; replaces asparagine 319 with lysine.
Molecular consequence: missense variant.
Genome position (GRCh38, 1-based): chr4:99,597,114, C>A. VCF-style: chr4-99597114-C-A. GRCh37 (hg19) VCF-style: chr4-100518271-C-A.
Other names: c.957C>A, p.Asn319Lys (NM_000253.4); c.708C>A, p.Asn236Lys (NM_001300785.2); short protein forms N236K, N319K.
Identifiers: ClinVar variation 1957648 (VCV001957648.5), dbSNP rs2476118131, ClinGen allele CA357506691.
Genomic context (GRCh38, chr4:99,597,114, plus strand): 5'-GTATGTTTTGCAGCTCTCGGAGCTCTGGCGGTCCACCAGGAAATACCTGCAGCCTGACAA[C>A]CTTTCCAAGGCTGAGGCTGTCAGAAACTTCCTGGCCTTCATTCAGCACCTCAGGACTGCG-3'
Protein context (NP_001373069.1, residues 309-329): RSTRKYLQPD[Asn319Lys]LSKAEAVRNF